The following is an entry in ClinVar:

ClinVar aggregate classification (germline): Uncertain significance (1 of 4 stars; one submission).

Conditions:
Emery-Dreifuss muscular dystrophy 4, autosomal dominant (EDMD4). Also called: EMERY-DREIFUSS MUSCULAR DYSTROPHY 4 WITH VARIABLE FEATURES. Identifiers: Orphanet 261, MedGen C2751807, MONDO:0013071, OMIM 612998.
Autosomal recessive ataxia, Beauce type. Also called: SYNE1 Deficiency; Spinocerebellar ataxia, autosomal recessive 8; ATAXIA, RECESSIVE, OF BEAUCE; SYNE1-Related Autosomal Recessive Cerebellar Ataxia. Identifiers: Orphanet 88644, MedGen C1853116, MONDO:0012549, OMIM 610743.

gnomAD v4.1: 6 of 1,614,090 alleles (0.00037%); highest among the groups gnomAD compares: African/African-American, 0.004%; no homozygotes.

Submission:

Labcorp Genetics (formerly Invitae), Labcorp
Classification: Uncertain significance for Emery-Dreifuss muscular dystrophy 4, autosomal dominant; Autosomal recessive ataxia, Beauce type. Last evaluated: 2024-04-15. Review status: criteria provided, single submitter. Criteria: Invitae Variant Classification Sherloc (09022015). Collection method: clinical testing. Allele origin: germline.
Comment: This sequence change replaces threonine, which is neutral and polar, with serine, which is neutral and polar, at codon 6136 of the SYNE1 protein (p.Thr6136Ser). This variant is present in population databases (no rsID available, gnomAD 0.007%). This variant has not been reported in the literature in individuals affected with SYNE1-related conditions. Algorithms developed to predict the effect of missense changes on protein structure and function output the following: SIFT: "Not Available"; PolyPhen-2: "Benign"; Align-GVGD: "Not Available". The serine amino acid residue is found in multiple mammalian species, which suggests that this missense change does not adversely affect protein function. In summary, the available evidence is currently insufficient to determine the role of this variant in disease. Therefore, it has been classified as a Variant of Uncertain Significance.

NM_182961.4(SYNE1):c.18619A>T (p.Thr6207Ser)

Gene: SYNE1 (spectrin repeat containing nuclear envelope protein 1; minus strand). Cytogenetic location: 6q25.2.
Variant type: single nucleotide variant.
Coding change: c.18619A>T on transcript NM_182961.4 (MANE Select); coding-DNA position 18619, A replaced by T.
Protein change: p.Thr6207Ser; replaces threonine 6207 with serine.
Molecular consequence: missense variant.
Genome position (GRCh38, 1-based): chr6:152,269,241, T>A on the plus strand (A>T on the coding strand, the complement: SYNE1 is on the minus strand). VCF-style: chr6-152269241-T-A. GRCh37 (hg19) VCF-style: chr6-152590376-T-A.
Other names: c.18406A>T, p.Thr6136Ser (NM_033071.5); short protein forms T6136S, T6207S.
Identifiers: ClinVar variation 3762528 (VCV003762528.2).
Genomic context (GRCh38, chr6:152,269,241, plus strand): 5'-GCTGCTGGGTCCATGTGGTGCGAGCTTGGGCCAGCCATTCCTGGACGCCGGGGCTCTGCG[T>A]GGCTGTTAGGTCAACATCGCTCTCCTCCTTCTCCTGTGCTGTTCCCTGCTTTTAACGAGG-3'
Protein context (NP_892006.3, residues 6197-6217): KEESDVDLTA[Thr6207Ser]QSPGVQEWLA